The following is an entry in ClinVar:

ClinVar aggregate classification (germline): Conflicting classifications of pathogenicity. Review status: criteria provided, conflicting classifications (1 of 4 stars). 2 submissions from 2 submitters: Uncertain significance (1); Likely benign (1). Last evaluated 2026-03-27.

Conditions:
TTN-related disorder. Also called: TTN-related condition; TTN-related disease; TTN-related disorders.

Submissions (2):

PreventionGenetics, part of Exact Sciences
Classification: Likely benign for TTN-related condition. Last evaluated: 2026-03-27. Review status: criteria provided, single submitter. Criteria: ACMG Guidelines, 2015. Collection method: clinical testing. Allele origin: germline.
Comment: This variant is classified as likely benign based on ACMG/AMP sequence variant interpretation guidelines (Richards et al. 2015 PMID: 25741868, with internal and published modifications).

CeGaT Center for Human Genetics Tuebingen
Classification: Uncertain significance. Last evaluated: 2025-06-01. Review status: criteria provided, single submitter. Criteria: CeGaT Center For Human Genetics Tuebingen Variant Classification Criteria Version 2. Collection method: clinical testing. Allele origin: germline. Affected: yes. Observed: 1 variant allele.
Comment: TTN: PM2, BP4

NM_001267550.2(TTN):c.9703+8G>T

Gene: TTN (titin; minus strand). Cytogenetic location: 2q31.2.
Variant type: single nucleotide variant.
Coding change: c.9703+8G>T on transcript NM_001267550.2 (MANE Select); 8 bases into the intron after coding-DNA position 9703, G replaced by T.
Molecular consequence: intron variant.
Genome position (GRCh38, 1-based): chr2:178,766,373, C>A on the plus strand (G>T on the coding strand, the complement: TTN is on the minus strand). VCF-style: chr2-178766373-C-A. GRCh37 (hg19) VCF-style: chr2-179631100-C-A.
Other names: c.9565+8G>T (NM_003319.4, NM_133437.4, NM_133432.3); c.9703+8G>T (NM_133378.4, NM_001256850.1, NM_133379.5).
Identifiers: ClinVar variation 4084338 (VCV004084338.9).